The following is an entry in ClinVar:

NM_053284.3(WFIKKN1):c.429C>G (p.Ala143=)

Gene: WFIKKN1 (WAP, follistatin/kazal, immunoglobulin, kunitz and netrin domain containing 1; plus strand). Cytogenetic location: 16p13.3.
Variant type: single nucleotide variant.
Coding change: c.429C>G on transcript NM_053284.3 (MANE Select); coding-DNA position 429, C replaced by G.
Protein change: p.Ala143=; no amino-acid change (alanine 143 retained).
Molecular consequence: synonymous variant.
Genome position (GRCh38, 1-based): chr16:632,839, C>G. VCF-style: chr16-632839-C-G. GRCh37 (hg19) VCF-style: chr16-682839-C-G.
Identifiers: ClinVar variation 2645834 (VCV002645834.24), dbSNP rs370646237, ClinGen allele CA7781351.

ClinVar aggregate classification (germline): Likely benign (1 of 4 stars; one submission).

Allele frequency attached by ClinVar (database versions not stated): ESP Exome Variant Server 0.00047; 1000 Genomes Project 30x 0.00156; 1000 Genomes Project 0.00220.

Submission:

CeGaT Center for Human Genetics Tuebingen
Classification: Likely benign. Last evaluated: 2023-03-01. Review status: criteria provided, single submitter. Criteria: CeGaT Center For Human Genetics Tuebingen Variant Classification Criteria Version 2. Collection method: clinical testing. Allele origin: germline. Affected: yes. Observed: 1 variant allele.
Comment: WFIKKN1: BP4, BP7, BS2